The following is an entry in ClinVar:

ClinVar aggregate classification (germline): Benign. Review status: criteria provided, multiple submitters, no conflicts (2 of 4 stars). 3 submissions from 3 submitters: Benign (2). 1 of the submissions does not count toward it. Last evaluated 2018-03-30.

Conditions:
CSMD3-related disorder. Also called: CSMD3-related condition.

Allele frequency attached by ClinVar (database versions not stated): ESP Exome Variant Server 0.02122; TOPMed 0.02232; gnomAD 0.01941 and 0.02062; 1000 Genomes Project 30x 0.02171; 1000 Genomes Project 0.02117.
gnomAD v4.1: 5,653 of 1,608,004 alleles (0.35%); highest among the groups gnomAD compares: African/African-American, 6.5%; 195 homozygotes.

Submissions (3):

Labcorp Genetics (formerly Invitae), Labcorp
Classification: Benign. Last evaluated: 2018-03-30. Review status: criteria provided, single submitter. Criteria: Invitae Variant Classification Sherloc (09022015). Collection method: clinical testing. Allele origin: germline.

Breakthrough Genomics
Classification: Benign. Review status: criteria provided, single submitter. Criteria: ACMG Guidelines, 2015. Collection method: not provided. Allele origin: germline. Inheritance: Unknown mechanism. Affected: yes.

PreventionGenetics, part of Exact Sciences
Classification: Benign for CSMD3-related condition. Last evaluated: 2019-03-22. Review status: no assertion criteria provided. Collection method: clinical testing. Allele origin: germline. Not counted in ClinVar's aggregate classification.
Comment: This variant is classified as benign based on ACMG/AMP sequence variant interpretation guidelines (Richards et al. 2015 PMID: 25741868, with internal and published modifications).

NM_198123.2(CSMD3):c.4521G>A (p.Thr1507=)

Gene: CSMD3 (CUB and Sushi multiple domains 3; minus strand). Cytogenetic location: 8q23.3.
Variant type: single nucleotide variant.
Coding change: c.4521G>A on transcript NM_198123.2 (MANE Select); coding-DNA position 4521, G replaced by A.
Protein change: p.Thr1507=; no amino-acid change (threonine 1507 retained).
Molecular consequence: synonymous variant.
Genome position (GRCh38, 1-based): chr8:112,550,714, C>T on the plus strand (G>A on the coding strand, the complement: CSMD3 is on the minus strand). VCF-style: chr8-112550714-C-T. GRCh37 (hg19) VCF-style: chr8-113562943-C-T.
Other names: c.4131G>A, p.Thr1377= (NM_001363185.1); c.4209G>A, p.Thr1403= (NM_052900.3); c.4401G>A, p.Thr1467= (NM_198124.2).
Identifiers: ClinVar variation 783529 (VCV000783529.6), dbSNP rs16883806, ClinGen allele CA4850135.